The following is an entry in ClinVar:

NM_152564.5(VPS13B):c.1943G>A (p.Cys648Tyr)

Gene: VPS13B (vacuolar protein sorting 13 homolog B; plus strand). Cytogenetic location: 8q22.2.
Variant type: single nucleotide variant.
Coding change: c.1943G>A on transcript NM_152564.5 (MANE Select); coding-DNA position 1943, G replaced by A.
Protein change: p.Cys648Tyr; replaces cysteine 648 with tyrosine.
Molecular consequence: missense variant.
Genome position (GRCh38, 1-based): chr8:99,147,940, G>A. VCF-style: chr8-99147940-G-A. GRCh37 (hg19) VCF-style: chr8-100160168-G-A.
Other names: c.1943G>A, p.Cys648Tyr (NM_015243.3, NM_017890.5); c.1943G>A (NM_017890.3); short protein forms C648Y.
Identifiers: ClinVar variation 1514573 (VCV001514573.4), dbSNP rs960819243, ClinGen allele CA182901570.

ClinVar aggregate classification (germline): Uncertain significance. Review status: criteria provided, multiple submitters, no conflicts (2 of 4 stars). 2 submissions from 2 submitters: Uncertain significance (2). Last evaluated 2025-05-15.

Conditions:
Inborn genetic diseases. Identifiers: MedGen C0950123, MeSH D030342.
Cohen syndrome (COH1). Also called: PEPPER SYNDROME; Cutis verticis gyrata, retinitis pigmentosa, and sensorineural deafness. Identifiers: Orphanet 193, MedGen C0265223, MONDO:0008999, OMIM 216550.

gnomAD v4.1: 14 of 1,613,488 alleles (0.00087%); highest among the groups gnomAD compares: East Asian, 0.0022%; no homozygotes.

Submissions (2):

Ambry Genetics
Classification: Uncertain significance for Inborn genetic diseases. Last evaluated: 2025-05-15. Review status: criteria provided, single submitter. Criteria: Ambry Variant Classification Scheme 2023. Collection method: clinical testing. Allele origin: germline.

Labcorp Genetics (formerly Invitae), Labcorp
Classification: Uncertain significance for Cohen syndrome. Last evaluated: 2021-11-19. Review status: criteria provided, single submitter. Criteria: Invitae Variant Classification Sherloc (09022015). Collection method: clinical testing. Allele origin: germline.
Comment: This sequence change replaces cysteine, which is neutral and slightly polar, with tyrosine, which is neutral and polar, at codon 648 of the VPS13B protein (p.Cys648Tyr). This variant is not present in population databases (gnomAD no frequency). This variant has not been reported in the literature in individuals affected with VPS13B-related conditions. Algorithms developed to predict the effect of missense changes on protein structure and function are either unavailable or do not agree on the potential impact of this missense change (SIFT: "Not Available"; PolyPhen-2: "Probably Damaging"; Align-GVGD: "Not Available"). In summary, the available evidence is currently insufficient to determine the role of this variant in disease. Therefore, it has been classified as a Variant of Uncertain Significance.